The following is an entry in ClinVar:

ClinVar aggregate classification (germline): Uncertain significance. Review status: criteria provided, multiple submitters, no conflicts (2 of 4 stars). 3 submissions from 3 submitters: Uncertain significance (2). 1 of the submissions does not count toward it. Last evaluated 2023-01-18.

Conditions:
Perrault syndrome. Also called: Gonadal dysgenesis with auditory dysfunction, autosomal recessive inheritance. Identifiers: Orphanet 2855, MedGen C0685838, MONDO:0017312.

Allele frequency attached by ClinVar (database versions not stated): gnomAD 0.00002; ExAC 0.00007; gnomAD exomes 0.00008; 1000 Genomes Project 30x 0.00031; 1000 Genomes Project 0.00040.
gnomAD v4.1: 51 of 1,614,190 alleles (0.0032%); highest among the groups gnomAD compares: South Asian, 0.053%; no homozygotes.

Submissions (3):

Athena Diagnostics
Classification: Uncertain significance. Last evaluated: 2023-01-18. Review status: criteria provided, single submitter. Criteria: Athena Diagnostics Criteria. Collection method: clinical testing. Allele origin: unknown.
Comment: Available data are insufficient to determine the clinical significance of the variant at this time. The frequency of this variant in the general population is uninformative in assessment of its pathogenicity. Computational tools predict that this variant is damaging.

Labcorp Genetics (formerly Invitae), Labcorp
Classification: Uncertain significance. Last evaluated: 2021-11-22. Review status: criteria provided, single submitter. Criteria: Invitae Variant Classification Sherloc (09022015). Collection method: clinical testing. Allele origin: germline.
Comment: This sequence change replaces arginine, which is basic and polar, with glutamine, which is neutral and polar, at codon 453 of the LARS2 protein (p.Arg453Gln). This variant is present in population databases (rs572177274, gnomAD 0.06%). This missense change has been observed in individual(s) with Perrault syndrome (PMID: 27650058). Algorithms developed to predict the effect of missense changes on protein structure and function (SIFT, PolyPhen-2, Align-GVGD) all suggest that this variant is likely to be disruptive. In summary, the available evidence is currently insufficient to determine the role of this variant in disease. Therefore, it has been classified as a Variant of Uncertain Significance.

GeneReviews
No classification provided. Condition: Perrault syndrome. Review status: no classification provided. Collection method: literature only. Allele origin: germline. Not counted in ClinVar's aggregate classification.

Literature cited by the submitters: PubMed 27650058 (cited by Athena Diagnostics and Labcorp Genetics (formerly Invitae), Labcorp); PubMed 32767731 (cited by Athena Diagnostics); PubMed 34997062 (cited by Athena Diagnostics).

NM_015340.4(LARS2):c.1358G>A (p.Arg453Gln)

Genes: LARS2 (leucyl-tRNA synthetase 2, mitochondrial; plus strand), LARS2-AS1 (LARS2 antisense RNA 1; minus strand). Cytogenetic location: 3p21.31.
Variant type: single nucleotide variant.
Coding change: c.1358G>A on transcript NM_015340.4 (MANE Select); coding-DNA position 1358, G replaced by A.
Protein change: p.Arg453Gln; replaces arginine 453 with glutamine.
Molecular consequence: missense variant.
Genome position (GRCh38, 1-based): chr3:45,491,635, G>A. VCF-style: chr3-45491635-G-A. GRCh37 (hg19) VCF-style: chr3-45533127-G-A.
Other names: c.1358G>A, p.Arg453Gln (NM_001368263.1); short protein forms R453Q.
Identifiers: ClinVar variation 1404257 (VCV001404257.8), dbSNP rs572177274, ClinGen allele CA2349587.
Genomic context (GRCh38, chr3:45,491,635, plus strand): 5'-AGAGAGTGGGTGGAGACGTGACAAGTGATAAACTGAAAGACTGGCTGATTTCACGGCAGC[G>A]GTACTGGGGCACACCAATCCCCATTGTCCACTGCCCAGTCTGTGGCCCCACACCTGTGCC-3'
Protein context (NP_056155.1, residues 443-463): KLKDWLISRQ[Arg453Gln]YWGTPIPIVH